The following is an entry in ClinVar:

ClinVar aggregate classification (germline): Uncertain significance (1 of 4 stars; one submission).

Conditions:
Congenital myopathy with internal nuclei and atypical cores. Also called: Myopathy, centronuclear, 4. Identifiers: Orphanet 319160, MedGen C4707232, MONDO:0013890, OMIM 614807.

Submission:

Labcorp Genetics (formerly Invitae), Labcorp
Classification: Uncertain significance for Congenital myopathy with internal nuclei and atypical cores. Last evaluated: 2024-11-24. Review status: criteria provided, single submitter. Criteria: Invitae Variant Classification Sherloc (09022015). Collection method: clinical testing. Allele origin: germline.
Comment: This sequence change falls in intron 13 of the CCDC78 gene. It does not directly change the encoded amino acid sequence of the CCDC78 protein. It affects a nucleotide within the consensus splice site. This variant is not present in population databases (gnomAD no frequency). This variant has not been reported in the literature in individuals affected with CCDC78-related conditions. Variants that disrupt the consensus splice site are a relatively common cause of aberrant splicing (PMID: 17576681, 9536098). Algorithms developed to predict the effect of sequence changes on RNA splicing suggest that this variant may disrupt the consensus splice site. In summary, the available evidence is currently insufficient to determine the role of this variant in disease. Therefore, it has been classified as a Variant of Uncertain Significance.

Literature cited by the submitters: PubMed 17576681; PubMed 9536098.

NM_001378030.1(CCDC78):c.1301+2T>C

Gene: CCDC78 (coiled-coil domain containing 78; minus strand). Cytogenetic location: 16p13.3.
Variant type: single nucleotide variant.
Coding change: c.1301+2T>C on transcript NM_001378030.1 (MANE Select); the canonical splice donor site of the intron after coding-DNA position 1301, T replaced by C.
Molecular consequence: splice donor variant.
Genome position (GRCh38, 1-based): chr16:722,920, A>G on the plus strand (T>C on the coding strand, the complement: CCDC78 is on the minus strand). VCF-style: chr16-722920-A-G. GRCh37 (hg19) VCF-style: chr16-772920-A-G.
Other names: c.734+2T>C (NM_001378033.1); c.1121+2T>C (NM_001378031.1); c.1297+2T>C (NM_001031737.3).
Identifiers: ClinVar variation 3672963 (VCV003672963.2).
Genomic context (GRCh38, chr16:722,920, plus strand): 5'-CCATCATCCTTCATTCCAACCAGACCAGGGCCCTGGGGTCACACCCAGCTCCCTCTGCCC[A>G]CCTGCCCAGGTGCTGGTCCACGTACTCCTGTAGCTCAGAAAGTTGCTCTTCAGCCATCGT-3'